The following is an entry in ClinVar:

NM_001369268.1(ACAN):c.4523_4525delinsCAT (p.Glu1508_Leu1509delinsAlaPhe)

Gene: ACAN (aggrecan; plus strand). Cytogenetic location: 15q26.1.
Variant type: Indel.
Coding change: c.4523_4525delinsCAT on transcript NM_001369268.1 (MANE Select); coding-DNA positions 4523 to 4525, AAC replaced by CAT.
Protein change: p.Glu1508_Leu1509delinsAlaPhe.
Molecular consequence: missense variant.
Genome position (GRCh38, 1-based): chr15:88,857,108-88,857,110, AAC replaced by CAT. VCF-style: chr15-88857108-AAC-CAT. GRCh37 (hg19) VCF-style: chr15-89400339-AAC-CAT.
Other names: c.4523_4525delinsCAT, p.Glu1508_Leu1509delinsAlaPhe (NM_001135.4, NM_001411096.1, NM_001411097.1 and 1 more transcripts).
Identifiers: ClinVar variation 3339590 (VCV003339590.1).

ClinVar aggregate classification (germline): Likely benign (1 of 4 stars; one submission).

Submission:

Women's Health and Genetics/Laboratory Corporation of America, LabCorp
Classification: Likely benign. Last evaluated: 2024-06-12. Review status: criteria provided, single submitter. Criteria: LabCorp Variant Classification Summary - May 2015. Collection method: clinical testing. Allele origin: germline.
Comment: Variant summary: ACAN c.4523_4525delinsCAT (p.Glu1508_Leu1509delinsAlaPhe) results in an in-frame deletion-insertion that is predicted to delete 2 and insert 2 amino acids from the protein. While there is no entry in gnomAD for this particular variant, the rarest subcomponent variant SNV (c.4525C>T p.Leu1509Phe) was found at a frequency of 0.0031 in 1607036 control chromosomes in the gnomAD database, including 9 homozygotes. Therefore the expected allele frequency of the c.4523_4525delinsCAT variant is expected to be at least 0.0031. The observed variant frequency exceeds the estimated maximal expected allele frequency for a pathogenic variant in ACAN causing ACAN-Related Disorders phenotype. To our knowledge, no occurrence of c.4523_4525delinsCAT in individuals affected with ACAN-Related Disorders and no experimental evidence demonstrating its impact on protein function have been reported. No submitters have cited clinical-significance assessments for this variant to ClinVar. Based on the evidence outlined above, the variant was classified as likely benign.